The following is an entry in ClinVar:

ClinVar aggregate classification (germline): Uncertain significance. Review status: criteria provided, multiple submitters, no conflicts (2 of 4 stars). 2 submissions from 2 submitters: Uncertain significance (2). Last evaluated 2024-12-17.

Conditions:
Kabuki syndrome. Also called: Kabuki make-up syndrome; NIIKAWA-KUROKI SYNDROME. Identifiers: Orphanet 2322, MedGen C0796004, MONDO:0016512.

Allele frequency attached by ClinVar (database versions not stated): gnomAD exomes below 0.00001; gnomAD 0.00001.
gnomAD v4.1: 1 of 1,613,472 alleles (0.000062%); no homozygotes.

Submissions (2):

Athena Diagnostics
Classification: Uncertain significance. Last evaluated: 2024-12-17. Review status: criteria provided, single submitter. Criteria: Athena Diagnostics Criteria. Collection method: clinical testing. Allele origin: unknown.

Labcorp Genetics (formerly Invitae), Labcorp
Classification: Uncertain significance for Kabuki syndrome. Last evaluated: 2021-04-13. Review status: criteria provided, single submitter. Criteria: Invitae Variant Classification Sherloc (09022015). Collection method: clinical testing. Allele origin: germline.
Comment: This variant has not been reported in the literature in individuals with KMT2D-related conditions. Advanced modeling of protein sequence and biophysical properties (such as structural, functional, and spatial information, amino acid conservation, physicochemical variation, residue mobility, and thermodynamic stability) performed at Invitae indicates that this missense variant is not expected to disrupt KMT2D protein function. In summary, the available evidence is currently insufficient to determine the role of this variant in disease. Therefore, it has been classified as a Variant of Uncertain Significance. This variant is not present in population databases (ExAC no frequency). This sequence change replaces alanine with glutamic acid at codon 4469 of the KMT2D protein (p.Ala4469Glu). The alanine residue is moderately conserved and there is a moderate physicochemical difference between alanine and glutamic acid.

NM_003482.4(KMT2D):c.13406C>A (p.Ala4469Glu)

Gene: KMT2D (lysine methyltransferase 2D; minus strand). Cytogenetic location: 12q13.12.
Variant type: single nucleotide variant.
Coding change: c.13406C>A on transcript NM_003482.4 (MANE Select); coding-DNA position 13406, C replaced by A.
Protein change: p.Ala4469Glu; replaces alanine 4469 with glutamic acid.
Molecular consequence: missense variant.
Genome position (GRCh38, 1-based): chr12:49,031,299, G>T on the plus strand (C>A on the coding strand, the complement: KMT2D is on the minus strand). VCF-style: chr12-49031299-G-T. GRCh37 (hg19) VCF-style: chr12-49425082-G-T.
Other names: c.13406C>A (NM_003482.3); short protein forms A4469E.
Identifiers: ClinVar variation 1487638 (VCV001487638.9), dbSNP rs1942897601, ClinGen allele CA384704552.